The following is an entry in ClinVar:

ClinVar aggregate classification (germline): Conflicting classifications of pathogenicity. Review status: criteria provided, conflicting classifications (1 of 4 stars). 2 submissions from 2 submitters: Likely pathogenic (1); Uncertain significance (1). Last evaluated 2025-01-22.

Conditions:
Hereditary cancer-predisposing syndrome. Also called: Tumor predisposition; Hereditary neoplastic syndrome; Neoplastic Syndromes, Hereditary; Hereditary Cancer Syndrome. Identifiers: Orphanet 140162, MedGen C0027672, MeSH D009386, MONDO:0015356.
Hereditary nonpolyposis colorectal neoplasms. Identifiers: MedGen C0009405, MeSH D003123.

Allele frequency attached by ClinVar (database versions not stated): ExAC 0.00001; gnomAD exomes 0.00001.
gnomAD v4.1: 1 of 1,613,832 alleles (0.000062%); highest among the groups gnomAD compares: South Asian, 0.0011%; no homozygotes.

Submissions (2):

Ambry Genetics
Classification: Likely pathogenic for Hereditary cancer-predisposing syndrome. Last evaluated: 2025-01-22. Review status: criteria provided, single submitter. Criteria: Ambry Variant Classification Scheme 2023. Collection method: clinical testing. Allele origin: germline.
Comment: The p.C192Y variant (also known as c.575G>A), located in coding exon 6 of the PMS2 gene, results from a G to A substitution at nucleotide position 575. The cysteine at codon 192 is replaced by tyrosine, an amino acid with highly dissimilar properties. This amino acid position is highly conserved in available vertebrate species. In addition, this alteration is predicted to be deleterious by in silico analysis. Based on the majority of available evidence to date, this variant is likely to be pathogenic.

Labcorp Genetics (formerly Invitae), Labcorp
Classification: Uncertain significance for Hereditary nonpolyposis colorectal neoplasms. Last evaluated: 2022-10-09. Review status: criteria provided, single submitter. Criteria: Invitae Variant Classification Sherloc (09022015). Collection method: clinical testing. Allele origin: germline.
Comment: This variant has not been reported in the literature in individuals affected with PMS2-related conditions. In summary, the available evidence is currently insufficient to determine the role of this variant in disease. Therefore, it has been classified as a Variant of Uncertain Significance. Advanced modeling of protein sequence and biophysical properties (such as structural, functional, and spatial information, amino acid conservation, physicochemical variation, residue mobility, and thermodynamic stability) performed at Invitae indicates that this missense variant is expected to disrupt PMS2 protein function. ClinVar contains an entry for this variant (Variation ID: 857588). This variant is present in population databases (rs772404945, gnomAD 0.003%). This sequence change replaces cysteine, which is neutral and slightly polar, with tyrosine, which is neutral and polar, at codon 192 of the PMS2 protein (p.Cys192Tyr).

NM_000535.7(PMS2):c.575G>A (p.Cys192Tyr)

Gene: PMS2 (PMS1 homolog 2, mismatch repair system component; minus strand). Cytogenetic location: 7p22.1.
Variant type: single nucleotide variant.
Coding change: c.575G>A on transcript NM_000535.7 (MANE Select); coding-DNA position 575, G replaced by A.
Protein change: p.Cys192Tyr; replaces cysteine 192 with tyrosine.
Molecular consequence: missense variant. On other transcripts: non-coding transcript variant (1), intron variant (3).
Genome position (GRCh38, 1-based): chr7:5,999,238, C>T on the plus strand (G>A on the coding strand, the complement: PMS2 is on the minus strand). VCF-style: chr7-5999238-C-T. GRCh37 (hg19) VCF-style: chr7-6038869-C-T.
Other names: c.170G>A, p.Cys57Tyr (NM_001322003.2, NM_001322004.2, NM_001322005.2 and 2 more transcripts); c.575G>A, p.Cys192Tyr (NM_001322006.2, NM_001322014.2); c.257G>A, p.Cys86Tyr (NM_001322007.2, NM_001322008.2); c.266G>A, p.Cys89Tyr (NM_001322015.2); c.133-1815G>A (NM_001322013.2); c.-347-12G>A (NM_001322012.2, NM_001322011.2); short protein forms C192Y, C57Y, C89Y, C86Y.
Identifiers: ClinVar variation 857588 (VCV000857588.13), dbSNP rs772404945, ClinGen allele CA050439.